The following is an entry in ClinVar:

NM_001164508.2(NEB):c.19945-2A>C

Gene: NEB (nebulin; minus strand). Cytogenetic location: 2q23.3.
Variant type: single nucleotide variant.
Coding change: c.19945-2A>C on transcript NM_001164508.2 (MANE Select); the canonical splice acceptor site of the intron before coding-DNA position 19945, A replaced by C.
Molecular consequence: splice acceptor variant.
Genome position (GRCh38, 1-based): chr2:151,549,742, T>G on the plus strand (A>C on the coding strand, the complement: NEB is on the minus strand). VCF-style: chr2-151549742-T-G. GRCh37 (hg19) VCF-style: chr2-152406256-T-G.
Other names: c.14842-2A>C (NM_004543.5); c.19945-2A>C (NM_001164507.2, NM_001271208.2).
Identifiers: ClinVar variation 1469480 (VCV001469480.6), dbSNP rs113473971, ClinGen allele CA57645223.

ClinVar aggregate classification (germline): Likely pathogenic (1 of 4 stars; one submission).

Conditions:
Nemaline myopathy 2 (NEM2). Also called: Nemaline myopathy 2, autosomal recessive. Identifiers: MedGen C1850569, MONDO:0009725, OMIM 256030.

Submission:

Labcorp Genetics (formerly Invitae), Labcorp
Classification: Likely pathogenic for Nemaline myopathy 2. Last evaluated: 2021-11-26. Review status: criteria provided, single submitter. Criteria: Invitae Variant Classification Sherloc (09022015). Collection method: clinical testing. Allele origin: germline.
Comment: This variant has not been reported in the literature in individuals affected with NEB-related conditions. Algorithms developed to predict the effect of sequence changes on RNA splicing suggest that this variant may disrupt the consensus splice site. In summary, the currently available evidence indicates that the variant is pathogenic, but additional data are needed to prove that conclusively. Therefore, this variant has been classified as Likely Pathogenic. This variant is not present in population databases (gnomAD no frequency). This sequence change affects an acceptor splice site in intron 129 of the NEB gene. It is expected to disrupt RNA splicing. Variants that disrupt the donor or acceptor splice site typically lead to a loss of protein function (PMID: 16199547), and loss-of-function variants in NEB are known to be pathogenic (PMID: 25205138).

Literature cited by the submitters: PubMed 16199547; PubMed 25205138.